The following is an entry in ClinVar:

ClinVar aggregate classification (germline): Uncertain significance (1 of 4 stars; one submission).

Conditions:
Microcephaly, seizures, and developmental delay. Identifiers: Orphanet 1934, MedGen C3150667, MONDO:0013254, OMIM 613402.

Allele frequency attached by ClinVar (database versions not stated): TOPMed below 0.00001; gnomAD 0.00001.
gnomAD v4.1: 1 of 1,613,818 alleles (0.000062%); highest among the groups gnomAD compares: Non-Finnish European, 0.000085%; no homozygotes.

Submission:

Institute of Human Genetics, University of Leipzig Medical Center
Classification: Uncertain significance for Microcephaly, seizures, and developmental delay. Last evaluated: 2019-01-01. Review status: criteria provided, single submitter. Criteria: ACMG Guidelines, 2015. Collection method: clinical testing. Allele origin: unknown. Inheritance: Autosomal recessive inheritance. Affected: yes.
Comment: The variant is paternally inherited. This missense variant c.151G>C, p.(Val51Leu) in exon 2 of PNKP has not been reported in public mutation databases. The variant is absent from the general population (gnomAD). Multiple in silico-tools predict this variant as damaging. In silico splicing tools predict a possible effect on splicing. Taken together, we classify this variant as of unknown significance based on the ACMG recommendations (Richards et al., 2015, PMID 25741868; criteria: PM2_SUP, PM3, PP3).

NM_007254.4(PNKP):c.151G>C (p.Val51Leu)

Gene: PNKP (polynucleotide kinase 3'-phosphatase; minus strand). Cytogenetic location: 19q13.33.
Variant type: single nucleotide variant.
Coding change: c.151G>C on transcript NM_007254.4 (MANE Select); coding-DNA position 151, G replaced by C.
Protein change: p.Val51Leu; replaces valine 51 with leucine.
Molecular consequence: missense variant.
Genome position (GRCh38, 1-based): chr19:49,867,054, C>G on the plus strand (G>C on the coding strand, the complement: PNKP is on the minus strand). VCF-style: chr19-49867054-C-G. GRCh37 (hg19) VCF-style: chr19-50370311-C-G.
Other names: short protein forms V51L.
Identifiers: ClinVar variation 982768 (VCV000982768.3), dbSNP rs753839317, ClinGen allele CA406893315.
Genomic context (GRCh38, chr19:49,867,054, plus strand): 5'-CTCTGGATTGTTCCCGCTTTTGCAGCAGGCCACACCCCCTCCAGCTCAGGCCCCGCTCAC[C>G]TTGAGTTCTGGAGCACTTCCGGTCCGTAACCTGGGTCAGGGGTCCCCTGCCCAGGACCAG-3'
Protein context (NP_009185.2, residues 41-61): VTDRKCSRTQ[Val51Leu]ELVADPETRT